The following is an entry in ClinVar:

NM_177438.3(DICER1):c.436C>G (p.Gln146Glu)

Gene: DICER1 (dicer 1, ribonuclease III; minus strand). Cytogenetic location: 14q32.13.
Variant type: single nucleotide variant.
Coding change: c.436C>G on transcript NM_177438.3 (MANE Select); coding-DNA position 436, C replaced by G.
Protein change: p.Gln146Glu; replaces glutamine 146 with glutamic acid.
Molecular consequence: missense variant.
Genome position (GRCh38, 1-based): chr14:95,131,511, G>C on the plus strand (C>G on the coding strand, the complement: DICER1 is on the minus strand). VCF-style: chr14-95131511-G-C. GRCh37 (hg19) VCF-style: chr14-95597848-G-C.
Other names: c.436C>G, p.Gln146Glu (NM_001195573.1, NM_001271282.3, NM_001291628.2 and 1 more transcripts); c.436C>G (NM_177438.2); short protein forms Q146E.
Identifiers: ClinVar variation 1426017 (VCV001426017.8), dbSNP rs2140278436, ClinGen allele CA390888766.
Genomic context (GRCh38, chr14:95,131,511, plus strand): 5'-CAAACCAAGTCAAGAACTTGTAGGGATTTATAAAGTGAAATTTCTCTACAAGTCTTACCT[G>C]GTGCTTAGTAAACTCTTGGTTCCATCTCTCTTTTGTCCAAGATGCATTTACTTCTAGGTT-3'
Protein context (NP_803187.1, residues 136-156): ERWNQEFTKH[Gln146Glu]VLIMTCYVAL

ClinVar aggregate classification (germline): Uncertain significance. Review status: criteria provided, multiple submitters, no conflicts (2 of 4 stars). 2 submissions from 2 submitters: Uncertain significance (2). Last evaluated 2024-07-28.

Conditions:
Hereditary cancer-predisposing syndrome. Also called: Hereditary neoplastic syndrome; Tumor predisposition; Hereditary Cancer Syndrome; Neoplastic Syndromes, Hereditary. Identifiers: Orphanet 140162, MedGen C0027672, MeSH D009386, MONDO:0015356.
DICER1-related tumor predisposition. Also called: DICER1-related pleuropulmonary blastoma cancer predisposition syndrome; DICER1 syndrome. Identifiers: Orphanet 284343, MedGen C3839822, MONDO:0100216.

Allele frequency attached by ClinVar (database versions not stated): gnomAD exomes below 0.00001.
gnomAD v4.1: 1 of 1,613,270 alleles (0.000062%); highest among the groups gnomAD compares: Non-Finnish European, 0.000085%; no homozygotes.

Submissions (2):

Ambry Genetics
Classification: Uncertain significance for Hereditary cancer-predisposing syndrome. Last evaluated: 2024-07-28. Review status: criteria provided, single submitter. Criteria: Ambry Variant Classification Scheme 2023. Collection method: clinical testing. Allele origin: germline.
Comment: The p.Q146E variant (also known as c.436C>G), located in coding exon 3 of the DICER1 gene, results from a C to G substitution at nucleotide position 436. The glutamine at codon 146 is replaced by glutamic acid, an amino acid with highly similar properties. This amino acid position is conserved. In addition, the in silico prediction for this alteration is inconclusive. Based on the available evidence, the clinical significance of this variant remains unclear.

Labcorp Genetics (formerly Invitae), Labcorp
Classification: Uncertain significance for DICER1-related tumor predisposition. Last evaluated: 2022-06-05. Review status: criteria provided, single submitter. Criteria: Invitae Variant Classification Sherloc (09022015). Collection method: clinical testing. Allele origin: germline.
Comment: In summary, the available evidence is currently insufficient to determine the role of this variant in disease. Therefore, it has been classified as a Variant of Uncertain Significance. Algorithms developed to predict the effect of missense changes on protein structure and function (SIFT, PolyPhen-2, Align-GVGD) all suggest that this variant is likely to be tolerated. This sequence change replaces glutamine, which is neutral and polar, with glutamic acid, which is acidic and polar, at codon 146 of the DICER1 protein (p.Gln146Glu). This variant is not present in population databases (gnomAD no frequency). This variant has not been reported in the literature in individuals affected with DICER1-related conditions. ClinVar contains an entry for this variant (Variation ID: 1426017).